The following is an entry in ClinVar:

ClinVar aggregate classification (germline): Uncertain significance (1 of 4 stars; one submission).

Submission:

Labcorp Genetics (formerly Invitae), Labcorp
Classification: Uncertain significance. Last evaluated: 2022-03-09. Review status: criteria provided, single submitter. Criteria: Invitae Variant Classification Sherloc (09022015). Collection method: clinical testing. Allele origin: germline.
Comment: This variant is not present in population databases (gnomAD no frequency). This sequence change replaces phenylalanine, which is neutral and non-polar, with leucine, which is neutral and non-polar, at codon 239 of the GNPTG protein (p.Phe239Leu). This variant has not been reported in the literature in individuals affected with GNPTG-related conditions. In summary, the available evidence is currently insufficient to determine the role of this variant in disease. Therefore, it has been classified as a Variant of Uncertain Significance. Algorithms developed to predict the effect of missense changes on protein structure and function output the following: SIFT: "Tolerated"; PolyPhen-2: "Benign"; Align-GVGD: "Class C0". The leucine amino acid residue is found in multiple mammalian species, which suggests that this missense change does not adversely affect protein function.

NM_032520.5(GNPTG):c.715T>C (p.Phe239Leu)

Gene: GNPTG (N-acetylglucosamine-1-phosphate transferase subunit gamma; plus strand). Cytogenetic location: 16p13.3.
Variant type: single nucleotide variant.
Coding change: c.715T>C on transcript NM_032520.5 (MANE Select); coding-DNA position 715, T replaced by C.
Protein change: p.Phe239Leu; replaces phenylalanine 239 with leucine.
Molecular consequence: missense variant.
Genome position (GRCh38, 1-based): chr16:1,362,716, T>C. VCF-style: chr16-1362716-T-C. GRCh37 (hg19) VCF-style: chr16-1412717-T-C.
Other names: short protein forms F239L.
Identifiers: ClinVar variation 1432652 (VCV001432652.6), dbSNP rs2141864288, ClinGen allele CA394188590.
Genomic context (GRCh38, chr16:1,362,716, plus strand): 5'-TTAAAGACCCCAGAAGAAAATGAACCCACCCAGCTGGAGGGAGGTCCTGACAGCTTGGGG[T>C]TTGAGACCCTGGAAAACTGCAGGAAGGTACCGTATTGGGGGGAGGTGGTGGCACGCAGTA-3'
Protein context (NP_115909.1, residues 229-249): QLEGGPDSLG[Phe239Leu]ETLENCRKAH